The following is an entry in ClinVar:

ClinVar aggregate classification (germline): Uncertain significance (1 of 4 stars; one submission).

Allele frequency attached by ClinVar (database versions not stated): gnomAD exomes below 0.00001; TOPMed below 0.00001; gnomAD 0.00001.
gnomAD v4.1: 3 of 1,613,624 alleles (0.00019%); highest among the groups gnomAD compares: Non-Finnish European, 0.00025%; no homozygotes.

Submission:

GeneDx
Classification: Uncertain significance. Last evaluated: 2019-10-19. Review status: criteria provided, single submitter. Criteria: GeneDx Variant Classification Process June 2021. Collection method: clinical testing. Allele origin: germline. Affected: yes.
Comment: In silico analysis, which includes protein predictors and evolutionary conservation, supports a deleterious effect; Has not been previously published as pathogenic or benign to our knowledge

NM_015215.4(CAMTA1):c.1835C>T (p.Pro612Leu)

Gene: CAMTA1 (calmodulin binding transcription activator 1; plus strand). Cytogenetic location: 1p36.23.
Variant type: single nucleotide variant.
Coding change: c.1835C>T on transcript NM_015215.4 (MANE Select); coding-DNA position 1835, C replaced by T.
Protein change: p.Pro612Leu; replaces proline 612 with leucine.
Molecular consequence: missense variant.
Genome position (GRCh38, 1-based): chr1:7,664,382, C>T. VCF-style: chr1-7664382-C-T. GRCh37 (hg19) VCF-style: chr1-7724442-C-T.
Other names: c.1745C>T, p.Pro582Leu (NM_001349608.2, NM_001349612.2); c.1835C>T, p.Pro612Leu (NM_001349609.2, NM_001349610.2); short protein forms P582L, P612L.
Identifiers: ClinVar variation 1309173 (VCV001309173.2), dbSNP rs1381434887, ClinGen allele CA338130794.